The following is an entry in ClinVar:

ClinVar aggregate classification (germline): Uncertain significance (1 of 4 stars; one submission).

Conditions:
Hereditary cancer-predisposing syndrome. Also called: Hereditary Cancer Syndrome; Neoplastic Syndromes, Hereditary; Tumor predisposition; Hereditary neoplastic syndrome. Identifiers: Orphanet 140162, MedGen C0027672, MeSH D009386, MONDO:0015356.

Allele frequency attached by ClinVar (database versions not stated): gnomAD exomes below 0.00001 and 0.00001; ExAC 0.00001.
gnomAD v4.1: 1 of 1,613,836 alleles (0.000062%); highest among the groups gnomAD compares: Admixed American, 0.0017%; no homozygotes.

Submission:

Labcorp Genetics (formerly Invitae), Labcorp
Classification: Uncertain significance for Hereditary cancer-predisposing syndrome. Last evaluated: 2022-07-12. Review status: criteria provided, single submitter. Criteria: Invitae Variant Classification Sherloc (09022015). Collection method: clinical testing. Allele origin: germline.
Comment: This sequence change replaces leucine, which is neutral and non-polar, with valine, which is neutral and non-polar, at codon 694 of the RAD50 protein (p.Leu694Val). This variant is present in population databases (rs758261988, gnomAD 0.006%). This variant has not been reported in the literature in individuals affected with RAD50-related conditions. ClinVar contains an entry for this variant (Variation ID: 1022118). Algorithms developed to predict the effect of missense changes on protein structure and function (SIFT, PolyPhen-2, Align-GVGD) all suggest that this variant is likely to be tolerated. Algorithms developed to predict the effect of sequence changes on RNA splicing suggest that this variant may create or strengthen a splice site. In summary, the available evidence is currently insufficient to determine the role of this variant in disease. Therefore, it has been classified as a Variant of Uncertain Significance.

NM_005732.4(RAD50):c.2080T>G (p.Leu694Val)

Gene: RAD50 (RAD50 double strand break repair protein; plus strand). Cytogenetic location: 5q31.1.
Variant type: single nucleotide variant.
Coding change: c.2080T>G on transcript NM_005732.4 (MANE Select); coding-DNA position 2080, T replaced by G.
Protein change: p.Leu694Val; replaces leucine 694 with valine.
Molecular consequence: missense variant.
Genome position (GRCh38, 1-based): chr5:132,595,683, T>G. VCF-style: chr5-132595683-T-G. GRCh37 (hg19) VCF-style: chr5-131931375-T-G.
Other names: short protein forms L694V.
Identifiers: ClinVar variation 1022118 (VCV001022118.10), dbSNP rs758261988, ClinGen allele CA3405325.